The following is an entry in ClinVar:

ClinVar aggregate classification (germline): Pathogenic (1 of 4 stars; one submission).

Conditions:
Combined oxidative phosphorylation defect type 17. Also called: Combined oxidative phosphorylation deficiency 17. Identifiers: Orphanet 369913, MedGen C3809526, MONDO:0014190, OMIM 615440.

Submission:

Labcorp Genetics (formerly Invitae), Labcorp
Classification: Pathogenic for Combined oxidative phosphorylation defect type 17. Last evaluated: 2022-08-10. Review status: criteria provided, single submitter. Criteria: Invitae Variant Classification Sherloc (09022015). Collection method: clinical testing. Allele origin: germline.
Comment: This variant is not present in population databases (gnomAD no frequency). For these reasons, this variant has been classified as Pathogenic. This variant has not been reported in the literature in individuals affected with ELAC2-related conditions. This sequence change creates a premature translational stop signal (p.Leu128*) in the ELAC2 gene. It is expected to result in an absent or disrupted protein product. Loss-of-function variants in ELAC2 are known to be pathogenic (PMID: 27769300, 31045291).

Literature cited by the submitters: PubMed 27769300; PubMed 31045291.

NM_018127.7(ELAC2):c.383T>A (p.Leu128Ter)

Gene: ELAC2 (elaC ribonuclease Z 2; minus strand). Cytogenetic location: 17p12.
Variant type: single nucleotide variant.
Coding change: c.383T>A on transcript NM_018127.7 (MANE Select); coding-DNA position 383, T replaced by A.
Protein change: p.Leu128Ter; replaces leucine 128 with a stop codon.
Molecular consequence: nonsense.
Genome position (GRCh38, 1-based): chr17:13,015,817, A>T on the plus strand (T>A on the coding strand, the complement: ELAC2 is on the minus strand). VCF-style: chr17-13015817-A-T. GRCh37 (hg19) VCF-style: chr17-12919134-A-T.
Other names: c.383T>A, p.Leu128Ter (NM_001165962.2, NM_173717.2); short protein forms L128*.
Identifiers: ClinVar variation 2023381 (VCV002023381.4), dbSNP rs1170011808, ClinGen allele CA398218260.
Genomic context (GRCh38, chr17:13,015,817, plus strand): 5'-GAAAGACTCACCAGTTGTGGAGGTCCAGAAAGTACACACTTTGGAAGCCCGGTTTCCTTT[A>T]AAGTAAGAATCATTCCTAAAAAGGATGCATAAAATCAGATCTCTCATCAATTTGACCTGT-3'